The following is an entry in ClinVar:

NM_000260.4(MYO7A):c.5939A>T (p.Lys1980Met)

Gene: MYO7A (myosin VIIA; plus strand). Cytogenetic location: 11q13.5.
Variant type: single nucleotide variant.
Coding change: c.5939A>T on transcript NM_000260.4 (MANE Select); coding-DNA position 5939, A replaced by T.
Protein change: p.Lys1980Met; replaces lysine 1980 with methionine.
Molecular consequence: missense variant.
Genome position (GRCh38, 1-based): chr11:77,208,512, A>T. VCF-style: chr11-77208512-A-T. GRCh37 (hg19) VCF-style: chr11-76919557-A-T.
Other names: c.5825A>T, p.Lys1942Met (NM_001127180.2); c.5792A>T, p.Lys1931Met (NM_001369365.1); short protein forms K1931M, K1942M, K1980M.
Identifiers: ClinVar variation 3902857 (VCV003902857.1).

ClinVar aggregate classification (germline): Uncertain significance (1 of 4 stars; one submission).

Submission:

GeneDx
Classification: Uncertain significance. Last evaluated: 2024-12-13. Review status: criteria provided, single submitter. Criteria: GeneDx Variant Classification Process June 2021. Collection method: clinical testing. Allele origin: germline. Affected: yes.
Comment: Not observed at significant frequency in large population cohorts (gnomAD); In silico analysis supports that this missense variant has a deleterious effect on protein structure/function; Has not been previously published as pathogenic or benign to our knowledge